The following is an entry in ClinVar:

ClinVar aggregate classification (germline): Uncertain significance (1 of 4 stars; one submission).

Submission:

GeneDx
Classification: Uncertain significance. Last evaluated: 2023-11-07. Review status: criteria provided, single submitter. Criteria: GeneDx Variant Classification Process June 2021. Collection method: clinical testing. Allele origin: germline. Affected: yes.
Comment: Has not been previously published as pathogenic or benign to our knowledge; Not observed at significant frequency in large population cohorts (gnomAD); In silico analysis supports that this missense variant has a deleterious effect on protein structure/function; Although located in a calcium-binding EGF-like domain of the FBN2 gene, it does not substitute or introduce a cysteine residue (PMID: 19006240, 18767143); This variant is associated with the following publications: (PMID: 19006240, 18767143)

NM_001999.4(FBN2):c.2025C>G (p.Asn675Lys)

Gene: FBN2 (fibrillin 2; minus strand). Cytogenetic location: 5q23.3.
Variant type: single nucleotide variant.
Coding change: c.2025C>G on transcript NM_001999.4 (MANE Select); coding-DNA position 2025, C replaced by G.
Protein change: p.Asn675Lys; replaces asparagine 675 with lysine.
Molecular consequence: missense variant.
Genome position (GRCh38, 1-based): chr5:128,374,698, G>C on the plus strand (C>G on the coding strand, the complement: FBN2 is on the minus strand). VCF-style: chr5-128374698-G-C. GRCh37 (hg19) VCF-style: chr5-127710391-G-C.
Other names: short protein forms N675K.
Identifiers: ClinVar variation 3363724 (VCV003363724.1).
Genomic context (GRCh38, chr5:128,374,698, plus strand): 5'-ACGTCCATCCATGCCCACAGCCAGGCCTGGGGGACAGTCACAGCGGAAGGACCCTTCACT[G>C]TTGATGCAGTGCCCATTCATGCAGATTCCTGGGGTCTGGCATTCATCAACATCTGTGCAG-3'
Protein context (NP_001990.2, residues 665-685): PGICMNGHCI[Asn675Lys]SEGSFRCDCP